The following is an entry in ClinVar:

ClinVar aggregate classification (germline): Pathogenic (1 of 4 stars; one submission).

gnomAD v4.1: 1 of 1,614,122 alleles (0.000062%); highest among the groups gnomAD compares: Non-Finnish European, 0.000085%; no homozygotes.

Submission:

Labcorp Genetics (formerly Invitae), Labcorp
Classification: Pathogenic. Last evaluated: 2025-05-28. Review status: criteria provided, single submitter. Criteria: Invitae Variant Classification Sherloc (09022015). Collection method: clinical testing. Allele origin: germline.
Comment: This sequence change replaces proline, which is neutral and non-polar, with alanine, which is neutral and non-polar, at codon 291 of the ABCA4 protein (p.Pro291Ala). This variant is not present in population databases (gnomAD no frequency). This missense change has been observed in individual(s) with Stargardt Disease (PMID: 23755871, 32619608). Invitae Evidence Modeling of protein sequence and biophysical properties (such as structural, functional, and spatial information, amino acid conservation, physicochemical variation, residue mobility, and thermodynamic stability) has been performed for this missense variant. However, the output from this modeling did not meet the statistical confidence thresholds required to predict the impact of this variant on ABCA4 protein function. For these reasons, this variant has been classified as Pathogenic.

Literature cited by the submitters: PubMed 23755871; PubMed 32619608.

NM_000350.3(ABCA4):c.871C>G (p.Pro291Ala)

Gene: ABCA4 (ATP binding cassette subfamily A member 4; minus strand). Cytogenetic location: 1p22.1.
Variant type: single nucleotide variant.
Coding change: c.871C>G on transcript NM_000350.3 (MANE Select); coding-DNA position 871, C replaced by G.
Protein change: p.Pro291Ala; replaces proline 291 with alanine.
Molecular consequence: missense variant.
Genome position (GRCh38, 1-based): chr1:94,080,706, G>C on the plus strand (C>G on the coding strand, the complement: ABCA4 is on the minus strand). VCF-style: chr1-94080706-G-C. GRCh37 (hg19) VCF-style: chr1-94546262-G-C.
Other names: c.871C>G, p.Pro291Ala (NM_001425324.1); short protein forms P291A.
Identifiers: ClinVar variation 4746866 (VCV004746866.1).